The following is an entry in ClinVar:

NM_018418.5(SPATA7):c.1222_1248del (p.Met408_Lys416del)

Gene: SPATA7 (spermatogenesis associated 7; plus strand). Cytogenetic location: 14q31.3.
Variant type: Deletion.
Coding change: c.1222_1248del on transcript NM_018418.5 (MANE Select); coding-DNA positions 1222 to 1248, 27 bases deleted (ATGCGCCACCTGCTGCATGTCCTGAAA).
Protein change: p.Met408_Lys416del.
Molecular consequence: inframe deletion.
Genome position (GRCh38, 1-based): chr14:88,437,844-88,437,870, ATGCGCCACCTGCTGCATGTCCTGAAA deleted; deleting any 27 consecutive bases within chr14:88,437,841-88,437,870 gives the same sequence; the c. name uses the placement nearest the transcript's 3' end. VCF-style (leftmost placement, unchanged base first): chr14-88437840-AAAAATGCGCCACCTGCTGCATGTCCTG-A. GRCh37 (hg19) VCF-style: chr14-88904184-AAAAATGCGCCACCTGCTGCATGTCCTG-A.
Other names: c.1126_1152del, p.Met376_Lys384del (NM_001040428.4).
Identifiers: ClinVar variation 4854770 (VCV004854770.1).

ClinVar aggregate classification (germline): Uncertain significance (1 of 4 stars; one submission).

Conditions:
Leber congenital amaurosis 3 (LCA3). Also called: SPATA7-Related Retinitis Pigmentosa. Identifiers: MedGen C1858677, MONDO:0011415, OMIM 604232.

Submission:

3billion
Classification: Uncertain significance for Leber congenital amaurosis 3. Last evaluated: 2025-07-03. Review status: criteria provided, single submitter. Criteria: ACMG Guidelines, 2015. Collection method: clinical testing. Allele origin: germline. Affected: yes.
Comment: The variant is not observed in the gnomAD v4.1.0 dataset. Predicted Consequence/Location: Inframe deletion located in a nonrepeat region: predicted to change the length of the protein and disrupt normal protein function. Therefore, this variant is classified as VUS according to the recommendation of ACMG/AMP guideline.